The following is an entry in ClinVar:

NM_000455.5(STK11):c.224G>A (p.Arg75Lys)

Gene: STK11 (serine/threonine kinase 11; plus strand). Cytogenetic location: 19p13.3.
Variant type: single nucleotide variant.
Coding change: c.224G>A on transcript NM_000455.5 (MANE Select); coding-DNA position 224, G replaced by A.
Protein change: p.Arg75Lys; replaces arginine 75 with lysine.
Molecular consequence: missense variant.
Genome position (GRCh38, 1-based): chr19:1,207,137, G>A. VCF-style: chr19-1207137-G-A. GRCh37 (hg19) VCF-style: chr19-1207136-G-A.
Other names: short protein forms R75K.
Identifiers: ClinVar variation 820961 (VCV000820961.13), dbSNP rs1599915204, ClinGen allele CA402944401.

ClinVar aggregate classification (germline): Uncertain significance. Review status: criteria provided, multiple submitters, no conflicts (2 of 4 stars). 2 submissions from 2 submitters: Uncertain significance (2). Last evaluated 2025-10-14.

Conditions:
Hereditary cancer-predisposing syndrome. Also called: Hereditary Cancer Syndrome; Neoplastic Syndromes, Hereditary; Hereditary neoplastic syndrome; Tumor predisposition. Identifiers: Orphanet 140162, MedGen C0027672, MeSH D009386, MONDO:0015356.
Peutz-Jeghers syndrome (PJS). Also called: Peutz-Jeghers polyposis; Periorificial lentiginosis syndrome; POLYPOSIS, HAMARTOMATOUS INTESTINAL; POLYPS-AND-SPOTS SYNDROME. Identifiers: Orphanet 2869, MedGen C0031269, MeSH D010580, MONDO:0008280, OMIM 175200.

Submissions (2):

Ambry Genetics
Classification: Uncertain significance for Hereditary cancer-predisposing syndrome. Last evaluated: 2025-10-14. Review status: criteria provided, single submitter. Criteria: Ambry Variant Classification Scheme 2023. Collection method: clinical testing. Allele origin: germline.
Comment: The p.R75K variant (also known as c.224G>A), located in coding exon 1 of the STK11 gene, results from a G to A substitution at nucleotide position 224. The arginine at codon 75 is replaced by lysine, an amino acid with highly similar properties. This amino acid position is highly conserved in available vertebrate species. In addition, this alteration is predicted to be tolerated by in silico analysis. Based on the available evidence, the clinical significance of this variant remains unclear.

Labcorp Genetics (formerly Invitae), Labcorp
Classification: Uncertain significance for Peutz-Jeghers syndrome. Last evaluated: 2020-12-31. Review status: criteria provided, single submitter. Criteria: Invitae Variant Classification Sherloc (09022015). Collection method: clinical testing. Allele origin: germline.
Comment: This variant is not present in population databases (ExAC no frequency). In summary, the available evidence is currently insufficient to determine the role of this variant in disease. Therefore, it has been classified as a Variant of Uncertain Significance. Advanced modeling of protein sequence and biophysical properties (such as structural, functional, and spatial information, amino acid conservation, physicochemical variation, residue mobility, and thermodynamic stability) performed at Invitae indicates that this missense variant is expected to disrupt STK11 protein function. This variant has not been reported in the literature in individuals with STK11-related conditions. ClinVar contains an entry for this variant (Variation ID: 820961). This sequence change replaces arginine with lysine at codon 75 of the STK11 protein (p.Arg75Lys). The arginine residue is highly conserved and there is a small physicochemical difference between arginine and lysine.